The following is an entry in ClinVar:

ClinVar aggregate classification (germline): Uncertain significance. Review status: criteria provided, single submitter (1 of 4 stars). 2 submissions from 2 submitters: Uncertain significance (1). 1 of the submissions does not count toward it. Last evaluated 2025-05-30.

Conditions:
Hereditary cancer-predisposing syndrome. Also called: Tumor predisposition; Hereditary neoplastic syndrome; Neoplastic Syndromes, Hereditary; Hereditary Cancer Syndrome. Identifiers: Orphanet 140162, MedGen C0027672, MeSH D009386, MONDO:0015356.
Papillary renal cell carcinoma type 1 (RCCP1). Also called: RENAL CELL CARCINOMA, PAPILLARY, 1, SOMATIC; Renal adenocarcinoma; Renal cell carcinoma 1; Renal cell carcinoma, somatic. Identifiers: Orphanet 47044, MedGen C1336839, OMIM 605074, HP:0011797.

Submissions (2):

Ambry Genetics
Classification: Uncertain significance for Hereditary cancer-predisposing syndrome. Last evaluated: 2025-05-30. Review status: criteria provided, single submitter. Criteria: Ambry Variant Classification Scheme 2023. Collection method: clinical testing. Allele origin: germline.
Comment: The p.L1213V variant (also known as c.3637C>G), located in coding exon 17 of the MET gene, results from a C to G substitution at nucleotide position 3637. The leucine at codon 1213 is replaced by valine, an amino acid with highly similar properties. This amino acid position is highly conserved in available vertebrate species. In addition, this alteration is predicted to be deleterious by in silico analysis. Based on the available evidence, the clinical significance of this variant remains unclear.

OMIM
Classification: Pathogenic for RENAL CELL CARCINOMA, PAPILLARY, 1, SOMATIC. Last evaluated: 1997-05-01. Review status: no assertion criteria provided. Collection method: literature only. Allele origin: somatic. Not counted in ClinVar's aggregate classification.

Literature cited by the submitters: PubMed 9140397 (cited by OMIM).

NM_000245.4(MET):c.3583C>G (p.Leu1195Val)

Gene: MET (MET proto-oncogene, receptor tyrosine kinase; plus strand). Cytogenetic location: 7q31.2.
Variant type: single nucleotide variant.
Coding change: c.3583C>G on transcript NM_000245.4 (MANE Select); coding-DNA position 3583, C replaced by G.
Protein change: p.Leu1195Val; replaces leucine 1195 with valine.
Molecular consequence: missense variant.
Genome position (GRCh38, 1-based): chr7:116,782,048, C>G. VCF-style: chr7-116782048-C-G. GRCh37 (hg19) VCF-style: chr7-116422102-C-G.
Other names: c.3637C>G, p.Leu1213Val (LRG_662t1, NM_001127500.3); c.3637C>G (NM_001127500.1); c.2293C>G, p.Leu765Val (NM_001324402.2); short protein forms L1213V, L1195V, L765V.
Identifiers: ClinVar variation 13886 (VCV000013886.2), dbSNP rs121913673, ClinGen allele CA257006.